The following is an entry in ClinVar:

ClinVar aggregate classification (germline): Uncertain significance (1 of 4 stars; one submission).

Conditions:
Wilms tumor 1 (WT1). Also called: Wilms tumor, somatic. Identifiers: Orphanet 654, MedGen CN033288, MONDO:0008679, OMIM 194070.

Allele frequency attached by ClinVar (database versions not stated): gnomAD exomes below 0.00001.
gnomAD v4.1: 2 of 1,206,819 alleles (0.00017%); highest among the groups gnomAD compares: Non-Finnish European, 0.00022%; no homozygotes.

Submission:

Labcorp Genetics (formerly Invitae), Labcorp
Classification: Uncertain significance for Wilms tumor 1. Last evaluated: 2023-10-13. Review status: criteria provided, single submitter. Criteria: Invitae Variant Classification Sherloc (09022015). Collection method: clinical testing. Allele origin: germline.
Comment: This sequence change replaces isoleucine, which is neutral and non-polar, with threonine, which is neutral and polar, at codon 392 of the GPC3 protein (p.Ile392Thr). This variant is not present in population databases (gnomAD no frequency). This variant has not been reported in the literature in individuals affected with GPC3-related conditions. Advanced modeling of protein sequence and biophysical properties (such as structural, functional, and spatial information, amino acid conservation, physicochemical variation, residue mobility, and thermodynamic stability) performed at Invitae indicates that this missense variant is expected to disrupt GPC3 protein function. In summary, the available evidence is currently insufficient to determine the role of this variant in disease. Therefore, it has been classified as a Variant of Uncertain Significance.

NM_004484.4(GPC3):c.1175T>C (p.Ile392Thr)

Gene: GPC3 (glypican 3; minus strand). Cytogenetic location: Xq26.2.
Variant type: single nucleotide variant.
Coding change: c.1175T>C on transcript NM_004484.4 (MANE Select); coding-DNA position 1175, T replaced by C.
Protein change: p.Ile392Thr; replaces isoleucine 392 with threonine.
Molecular consequence: missense variant.
Genome position (GRCh38, 1-based): chrX:133,692,486, A>G on the plus strand (T>C on the coding strand, the complement: GPC3 is on the minus strand). VCF-style: chrX-133692486-A-G. GRCh37 (hg19) VCF-style: chrX-132826514-A-G.
Other names: c.1244T>C, p.Ile415Thr (NM_001164617.2); c.1127T>C, p.Ile376Thr (NM_001164618.2); c.1013T>C, p.Ile338Thr (NM_001164619.2); short protein forms I376T, I392T, I338T, I415T.
Identifiers: ClinVar variation 2767858 (VCV002767858.3), dbSNP rs2521132860, ClinGen allele CA414705808.